The following is an entry in ClinVar:

ClinVar aggregate classification (germline): Uncertain significance (1 of 4 stars; one submission).

Submission:

GeneDx
Classification: Uncertain significance. Last evaluated: 2025-07-29. Review status: criteria provided, single submitter. Criteria: GeneDx Variant Classification Process June 2021. Collection method: clinical testing. Allele origin: germline. Affected: yes.
Comment: In-frame deletion of 9 amino acid(s) in a non-repeat region; Not observed at significant frequency in large population cohorts (gnomAD); In silico analysis supports a deleterious effect on protein structure/function; Has not been previously published as pathogenic or benign to our knowledge

NM_001303052.2(MYT1L):c.2075_2101del (p.Thr692_Ser700del)

Gene: MYT1L (myelin transcription factor 1 like; minus strand). Cytogenetic location: 2p25.3.
Variant type: Deletion.
Coding change: c.2075_2101del on transcript NM_001303052.2 (MANE Select); coding-DNA positions 2075 to 2101, 27 bases deleted (CCAGCAGCTACGCGCCCAGCAGCAGCA).
Protein change: p.Thr692_Ser700del.
Molecular consequence: inframe deletion.
Genome position (GRCh38, 1-based): chr2:1,892,219-1,892,245, TGCTGCTGCTGGGCGCGTAGCTGCTGG deleted on the plus strand (CCAGCAGCTACGCGCCCAGCAGCAGCA on the coding strand, the reverse complement: MYT1L is on the minus strand); deleting any 27 consecutive bases within chr2:1,892,219-1,892,256 gives the same sequence; the c. name uses the placement nearest the transcript's 3' end. VCF-style (leftmost placement, unchanged base first): chr2-1892218-CTGCTGCTGCTGGGCGCGTAGCTGCTGG-C. GRCh37 (hg19) VCF-style: chr2-1895990-CTGCTGCTGCTGGGCGCGTAGCTGCTGG-C.
Other names: c.2075_2101del, p.Thr692_Ser700del (NM_001329844.2, NM_001329845.1, NM_001329851.3); c.2069_2095del, p.Thr690_Ser698del (NM_001329846.3, NM_001329847.2, NM_001329848.1 and 3 more transcripts).
Identifiers: ClinVar variation 4690103 (VCV004690103.1).